The following is an entry in ClinVar:

ClinVar aggregate classification (germline): Uncertain significance. Review status: criteria provided, multiple submitters, no conflicts (2 of 4 stars). 2 submissions from 2 submitters: Uncertain significance (2). Last evaluated 2026-07-08.

Conditions:
Hereditary sensory and autonomic neuropathy type 6. Also called: Neuropathy, hereditary sensory and autonomic, type VI; HSAN VI. Identifiers: Orphanet 314381, MedGen C3539003, MONDO:0013839, OMIM 614653.
Epidermolysis bullosa simplex 3, localized or generalized intermediate, with BP230 deficiency (EBS3). Also called: Epidermolysis bullosa simplex, autosomal recessive 2; Epidermolysis bullosa simplex due to BP230 deficiency. Identifiers: Orphanet 412181, MedGen C3809470, MONDO:0014180, OMIM 615425.
DST-related disorder. Also called: DST-related condition; DST-related disorders.

Allele frequency attached by ClinVar (database versions not stated): gnomAD exomes 0.00002; ExAC 0.00003; TOPMed 0.00010; gnomAD 0.00005 and 0.00006.
gnomAD v4.1: 19 of 1,613,320 alleles (0.0012%); highest among the groups gnomAD compares: African/African-American, 0.023%; no homozygotes.

Submissions (2):

PreventionGenetics, part of Exact Sciences
Classification: Uncertain significance for DST-related condition. Last evaluated: 2026-07-08. Review status: criteria provided, single submitter. Criteria: ACMG Guidelines, 2015. Collection method: clinical testing. Allele origin: germline.
Comment: The DST c.2537C>G variant is predicted to result in the amino acid substitution p.Pro846Arg. This variant can also be referred to as c.1025C>G (p.Pro342Arg) with the epithelial specific isoform, NM_001723. To our knowledge, this variant has not been reported in the literature. This variant is reported in 0.024% of alleles in individuals of African descent in gnomAD. At this time, the clinical significance of this variant is uncertain due to the absence of conclusive functional and genetic evidence.

Labcorp Genetics (formerly Invitae), Labcorp
Classification: Uncertain significance for Epidermolysis bullosa simplex 3, localized or generalized intermediate, with BP230 deficiency; Hereditary sensory and autonomic neuropathy type 6. Last evaluated: 2021-08-27. Review status: criteria provided, single submitter. Criteria: Invitae Variant Classification Sherloc (09022015). Collection method: clinical testing. Allele origin: germline.
Comment: This sequence change replaces proline with arginine at codon 342 of the DST protein (p.Pro342Arg). The proline residue is highly conserved and there is a moderate physicochemical difference between proline and arginine. This variant is present in population databases (rs759201270, ExAC 0.04%). This variant has not been reported in the literature in individuals affected with DST-related conditions. Algorithms developed to predict the effect of missense changes on protein structure and function (SIFT, PolyPhen-2, Align-GVGD) all suggest that this variant is likely to be disruptive. In summary, the available evidence is currently insufficient to determine the role of this variant in disease. Therefore, it has been classified as a Variant of Uncertain Significance.

NM_001374736.1(DST):c.2636C>G (p.Pro879Arg)

Gene: DST (dystonin; minus strand). Cytogenetic location: 6p12.1.
Variant type: single nucleotide variant.
Coding change: c.2636C>G on transcript NM_001374736.1 (MANE Select); coding-DNA position 2636, C replaced by G.
Protein change: p.Pro879Arg; replaces proline 879 with arginine.
Molecular consequence: missense variant.
Genome position (GRCh38, 1-based): chr6:56,639,757, G>C on the plus strand (C>G on the coding strand, the complement: DST is on the minus strand). VCF-style: chr6-56639757-G-C. GRCh37 (hg19) VCF-style: chr6-56504555-G-C.
Other names: c.2537C>G, p.Pro846Arg (NM_001144769.5); c.2123C>G, p.Pro708Arg (NM_001144770.2); c.2636C>G, p.Pro879Arg (NM_001374722.1); c.2003C>G, p.Pro668Arg (NM_001374729.1, NM_001374730.1, NM_001386100.1 and 1 more transcripts); c.2663C>G, p.Pro888Arg (NM_001374734.1); c.1025C>G, p.Pro342Arg (NM_001723.7, NM_015548.5); c.2537C>G (NM_001144769.2); short protein forms P342R, P668R, P708R, P846R, P879R, P888R.
Identifiers: ClinVar variation 1022296 (VCV001022296.7), dbSNP rs759201270, ClinGen allele CA3871366.